The following is an entry in ClinVar:

ClinVar aggregate classification (germline): Uncertain significance (1 of 4 stars; one submission).

Submission:

CeGaT Center for Human Genetics Tuebingen
Classification: Uncertain significance. Last evaluated: 2022-09-01. Review status: criteria provided, single submitter. Criteria: CeGaT Center For Human Genetics Tuebingen Variant Classification Criteria Version 2. Collection method: clinical testing. Allele origin: germline. Affected: yes. Observed: 1 variant allele.
Comment: STAB2: PM2

NM_017564.10(STAB2):c.1657T>C (p.Tyr553His)

Gene: STAB2 (stabilin 2; plus strand). Cytogenetic location: 12q23.3.
Variant type: single nucleotide variant.
Coding change: c.1657T>C on transcript NM_017564.10 (MANE Select); coding-DNA position 1657, T replaced by C.
Protein change: p.Tyr553His; replaces tyrosine 553 with histidine.
Molecular consequence: missense variant.
Genome position (GRCh38, 1-based): chr12:103,655,504, T>C. VCF-style: chr12-103655504-T-C. GRCh37 (hg19) VCF-style: chr12-104049282-T-C.
Other names: short protein forms Y553H.
Identifiers: ClinVar variation 2643249 (VCV002643249.24), dbSNP rs2543750141, ClinGen allele CA386313662.